The following is an entry in ClinVar:

NM_020922.5(WNK3):c.4988G>A (p.Gly1663Glu)

Gene: WNK3 (WNK lysine deficient protein kinase 3; minus strand). Cytogenetic location: Xp11.22.
Variant type: single nucleotide variant.
Coding change: c.4988G>A on transcript NM_020922.5 (MANE Select); coding-DNA position 4988, G replaced by A.
Protein change: p.Gly1663Glu; replaces glycine 1663 with glutamic acid.
Molecular consequence: missense variant.
Genome position (GRCh38, 1-based): chrX:54,202,076, C>T on the plus strand (G>A on the coding strand, the complement: WNK3 is on the minus strand). VCF-style: chrX-54202076-C-T. GRCh37 (hg19) VCF-style: chrX-54228509-C-T.
Other names: c.4817G>A, p.Gly1606Glu (NM_001002838.4, NM_001395166.1); short protein forms G1606E, G1663E.
Identifiers: ClinVar variation 2526026 (VCV002526026.2), dbSNP rs2520024601, ClinGen allele CA413334534.

ClinVar aggregate classification (germline): Uncertain significance (1 of 4 stars; one submission).

Submission:

Ambry Genetics
Classification: Uncertain significance. Last evaluated: 2023-03-15. Review status: criteria provided, single submitter. Criteria: Ambry Variant Classification Scheme 2023. Collection method: clinical testing. Allele origin: germline.
Comment: The c.4988G>A (p.G1663E) alteration is located in exon 23 (coding exon 22) of the WNK3 gene. This alteration results from a G to A substitution at nucleotide position 4988, causing the glycine (G) at amino acid position 1663 to be replaced by a glutamic acid (E). This amino acid position is well conserved in available vertebrate species. This alteration is predicted to be tolerated by in silico analysis. Based on insufficient or conflicting evidence, the clinical significance of this alteration remains unclear.

Literature cited by the submitters: PubMed 16275911; PubMed 23427142; PubMed 26350204; PubMed 30740830; PubMed 30763027; PubMed 32754646; PubMed 33500540; PubMed 34858138; PubMed 35678782.